The following is an entry in ClinVar:

NM_000246.4(CIITA):c.1975G>C (p.Glu659Gln)

Gene: CIITA (class II major histocompatibility complex transactivator; plus strand). Cytogenetic location: 16p13.13.
Variant type: single nucleotide variant.
Coding change: c.1975G>C on transcript NM_000246.4 (MANE Select); coding-DNA position 1975, G replaced by C.
Protein change: p.Glu659Gln; replaces glutamic acid 659 with glutamine.
Molecular consequence: missense variant. On other transcripts: intron variant (1).
Genome position (GRCh38, 1-based): chr16:10,907,467, G>C. VCF-style: chr16-10907467-G-C. GRCh37 (hg19) VCF-style: chr16-11001324-G-C.
Other names: c.1978G>C, p.Glu660Gln (NM_001286402.1, NM_001379332.1); c.1831G>C, p.Glu611Gln (NM_001379330.1); c.1828G>C, p.Glu610Gln (NM_001379331.1); c.1975G>C, p.Glu659Gln (NM_001379333.1); c.1906G>C, p.Glu636Gln (NM_001379334.1); c.860-1516G>C (NM_001286403.2); short protein forms E659Q, E610Q, E611Q, E636Q, E660Q.
Identifiers: ClinVar variation 2108320 (VCV002108320.4), dbSNP rs2544487687, ClinGen allele CA394732132.
Genomic context (GRCh38, chr16:10,907,467, plus strand): 5'-GGACTCTATGTCGGCCTGCTGGGCCGTGCAGCCCTCGACAGCCCCCCCGGGGCCCTGGCA[G>C]AGCTGGCCAAGCTGGCCTGGGAGCTGGGCCGCAGACATCAAAGTACCCTACAGGAGGACC-3'
Protein context (NP_000237.2, residues 649-669): ALDSPPGALA[Glu659Gln]LAKLAWELGR

ClinVar aggregate classification (germline): Uncertain significance (1 of 4 stars; one submission).

Conditions:
MHC class II deficiency. Also called: Bare lymphocyte syndrome 2; BLS, TYPE II. Identifiers: Orphanet 572, MedGen C5447452, MONDO:0008855.

Submission:

Labcorp Genetics (formerly Invitae), Labcorp
Classification: Uncertain significance for MHC class II deficiency. Last evaluated: 2022-03-10. Review status: criteria provided, single submitter. Criteria: Invitae Variant Classification Sherloc (09022015). Collection method: clinical testing. Allele origin: germline.
Comment: This sequence change replaces glutamic acid, which is acidic and polar, with glutamine, which is neutral and polar, at codon 659 of the CIITA protein (p.Glu659Gln). This variant is not present in population databases (gnomAD no frequency). This variant has not been reported in the literature in individuals affected with CIITA-related conditions. Algorithms developed to predict the effect of missense changes on protein structure and function (SIFT, PolyPhen-2, Align-GVGD) all suggest that this variant is likely to be tolerated. In summary, the available evidence is currently insufficient to determine the role of this variant in disease. Therefore, it has been classified as a Variant of Uncertain Significance.